The following is an entry in ClinVar:

ClinVar aggregate classification (germline): Benign (1 of 4 stars; one submission).

Conditions:
Cystic leukoencephalopathy without megalencephaly. Identifiers: Orphanet 85136, MedGen C2751843, MONDO:0013058, OMIM 612951.

Allele frequency attached by ClinVar (database versions not stated): gnomAD exomes 0.52215; gnomAD 0.57840; TOPMed 0.60919; 1000 Genomes Project 30x 0.67083; 1000 Genomes Project 0.67372.
gnomAD v4.1: 312,531 of 577,598 alleles (54%); highest among the groups gnomAD compares: African/African-American, 79%; 88,380 homozygotes.

Submission:

Illumina Laboratory Services, Illumina
Classification: Benign for Cystic leukoencephalopathy without megalencephaly. Last evaluated: 2018-01-13. Review status: criteria provided, single submitter. Criteria: ICSL Variant Classification Criteria 13 December 2019. Collection method: clinical testing. Allele origin: germline.
Comment: This variant was observed in the ICSL laboratory as part of a predisposition screen in an ostensibly healthy population. It had not been previously curated by ICSL or reported in the Human Gene Mutation Database (HGMD: prior to June 1st, 2018), and was therefore a candidate for classification through an automated scoring system. Utilizing variant allele frequency, disease prevalence and penetrance estimates, and inheritance mode, an automated score was calculated to assess if this variant is too frequent to cause the disease. Based on the score and internal cut-off values, a variant classified as benign is not then subjected to further curation. The score for this variant resulted in a classification of benign for this disease.

NM_003730.6(RNASET2):c.-227G>T

Genes: RNASET2 (ribonuclease T2; minus strand), LOC129997675 (ATAC-STARR-seq lymphoblastoid silent region 17784; plus strand). Cytogenetic location: 6q27.
Variant type: single nucleotide variant.
Coding change: c.-227G>T on transcript NM_003730.6 (MANE Select); 227 bases upstream of the start codon, G replaced by T.
Molecular consequence: 5 prime UTR variant.
Genome position (GRCh38, 1-based): chr6:166,956,409, C>A on the plus strand (G>T on the coding strand, the complement: RNASET2 is on the minus strand). VCF-style: chr6-166956409-C-A. GRCh37 (hg19) VCF-style: chr6-167369897-C-A.
Identifiers: ClinVar variation 356049 (VCV000356049.5), dbSNP rs1044059, ClinGen allele CA10626279.